The following is an entry in ClinVar:

ClinVar aggregate classification (germline): Likely benign (1 of 4 stars; one submission).

Conditions:
PHF6-related disorder. Also called: PHF6-related condition.

gnomAD v4.1: 1 of 1,167,933 alleles (0.000086%); highest among the groups gnomAD compares: African/African-American, 0.0018%; no homozygotes.

Submission:

PreventionGenetics, part of Exact Sciences
Classification: Likely benign for PHF6-related condition. Last evaluated: 2026-07-23. Review status: criteria provided, single submitter. Criteria: ACMG Guidelines, 2015. Collection method: clinical testing. Allele origin: germline.
Comment: This variant is classified as likely benign based on ACMG/AMP sequence variant interpretation guidelines (Richards et al. 2015 PMID: 25741868, with internal and published modifications).

NM_001015877.2(PHF6):c.237G>A (p.Lys79=)

Gene: PHF6 (PHD finger protein 6; plus strand). Cytogenetic location: Xq26.2.
Variant type: single nucleotide variant.
Coding change: c.237G>A on transcript NM_001015877.2 (MANE Select); coding-DNA position 237, G replaced by A.
Protein change: p.Lys79=; no amino-acid change (lysine 79 retained).
Molecular consequence: synonymous variant.
Genome position (GRCh38, 1-based): chrX:134,378,103, G>A. VCF-style: chrX-134378103-G-A. GRCh37 (hg19) VCF-style: chrX-133512133-G-A.
Other names: c.237G>A, p.Lys79= (NM_032335.3, NM_032458.3).
Identifiers: ClinVar variation 4993747 (VCV004993747.1).